The following is an entry in ClinVar:

ClinVar aggregate classification (germline): Benign. Review status: criteria provided, multiple submitters, no conflicts (2 of 4 stars). 3 submissions from 3 submitters: Benign (3). Last evaluated 2024-01-24.

Allele frequency attached by ClinVar (database versions not stated): 1000 Genomes Project 30x 0.08963; 1000 Genomes Project 0.09205; TOPMed 0.12661; gnomAD 0.13786 and 0.13824; ExAC 0.14608; gnomAD exomes 0.14743 and 0.17894; ESP Exome Variant Server 0.14856.
gnomAD v4.1: 280,850 of 1,606,784 alleles (17%); highest among the groups gnomAD compares: Non-Finnish European, 19%; 26,588 homozygotes.

Submissions (3):

Unidad de Genómica Garrahan, Hospital de Pediatría Garrahan
Classification: Benign. Last evaluated: 2024-01-24. Review status: criteria provided, single submitter. Criteria: ACMG Guidelines, 2015. Collection method: clinical testing. Allele origin: germline. Affected: no. Observed: 27 variant alleles.
Comment: This variant is classified as Benign based on local population frequency. This variant was detected in 28% of patients studied by a panel of primary immunodeficiencies. Number of patients: 27. Only high quality variants are reported.

GeneDx
Classification: Benign. Last evaluated: 2018-11-27. Review status: criteria provided, single submitter. Criteria: GeneDx Variant Classification Process June 2021. Collection method: clinical testing. Allele origin: germline. Affected: yes.

Breakthrough Genomics
Classification: Benign. Review status: criteria provided, single submitter. Criteria: ACMG Guidelines, 2015. Collection method: not provided. Allele origin: germline. Inheritance: Autosomal recessive inheritance. Affected: yes.

NM_018648.4(NOP10):c.54+21G>A

Gene: NOP10 (NOP10 ribonucleoprotein; minus strand). Cytogenetic location: 15q14.
Variant type: single nucleotide variant.
Coding change: c.54+21G>A on transcript NM_018648.4 (MANE Select); 21 bases into the intron after coding-DNA position 54, G replaced by A.
Molecular consequence: intron variant.
Genome position (GRCh38, 1-based): chr15:34,342,999, C>T on the plus strand (G>A on the coding strand, the complement: NOP10 is on the minus strand). VCF-style: chr15-34342999-C-T. GRCh37 (hg19) VCF-style: chr15-34635200-C-T.
Identifiers: ClinVar variation 1296833 (VCV001296833.5), dbSNP rs2169479, ClinGen allele CA7464806.
Genomic context (GRCh38, chr15:34,342,999, plus strand): 5'-GTAACTCCACGTATGACCTCACCCACTCCTCCCATCTACATTTCTCGCCATGCCTATTTA[C>T]ACCCTGTTTTCTCTCCTCACCTTCAGCGTATAGACTCGATCTCCCTGCTCGTTGAGGTAA-3'